The following is an entry in ClinVar:

NM_001130004.2(ACTN1):c.1621A>G (p.Ile541Val)

Gene: ACTN1 (actinin alpha 1; minus strand). Cytogenetic location: 14q24.1.
Variant type: single nucleotide variant.
Coding change: c.1621A>G on transcript NM_001130004.2 (MANE Select); coding-DNA position 1621, A replaced by G.
Protein change: p.Ile541Val; replaces isoleucine 541 with valine.
Molecular consequence: missense variant.
Genome position (GRCh38, 1-based): chr14:68,884,182, T>C on the plus strand (A>G on the coding strand, the complement: ACTN1 is on the minus strand). VCF-style: chr14-68884182-T-C. GRCh37 (hg19) VCF-style: chr14-69350899-T-C.
Other names: c.1621A>G, p.Ile541Val (NM_001102.4, NM_001130005.2, NM_001424012.1 and 7 more transcripts); c.1645A>G, p.Ile549Val (NM_001411035.1, NM_001424016.1); c.1426A>G, p.Ile476Val (NM_001411036.1, NM_001424026.1, NM_001424028.1); c.1747A>G, p.Ile583Val (NM_001424013.1); c.1708A>G, p.Ile570Val (NM_001424015.1); c.1618A>G, p.Ile540Val (NM_001424017.1); c.1582A>G, p.Ile528Val (NM_001424018.1); c.1558A>G, p.Ile520Val (NM_001424020.1, NM_001424022.1); and 2 more; short protein forms I266V, I476V, I518V, I520V, I528V, I540V, I541V, I549V.
Identifiers: ClinVar variation 3354899 (VCV003354899.1).

ClinVar aggregate classification (germline): Uncertain significance (0 of 4 stars; one submission).

Conditions:
ACTN1-related disorder. Also called: ACTN1-related condition.

gnomAD v4.1: 2 of 1,613,696 alleles (0.00012%); highest among the groups gnomAD compares: East Asian, 0.0045%; no homozygotes.

Submission:

PreventionGenetics, part of Exact Sciences
Classification: Uncertain significance for ACTN1-related condition. Last evaluated: 2024-05-02. Review status: no assertion criteria provided. Collection method: clinical testing. Allele origin: germline.
Comment: The ACTN1 c.1621A>G variant is predicted to result in the amino acid substitution p.Ile541Val. To our knowledge, this variant has not been reported in the literature. This variant is reported in 0.0054% of alleles in individuals of East Asian descent in gnomAD. At this time, the clinical significance of this variant is uncertain due to the absence of conclusive functional and genetic evidence.